The following is an entry in ClinVar:

NM_000384.3(APOB):c.1285A>C (p.Ile429Leu)

Gene: APOB (apolipoprotein B; minus strand). Cytogenetic location: 2p24.1.
Variant type: single nucleotide variant.
Coding change: c.1285A>C on transcript NM_000384.3 (MANE Select); coding-DNA position 1285, A replaced by C.
Protein change: p.Ile429Leu; replaces isoleucine 429 with leucine.
Molecular consequence: missense variant.
Genome position (GRCh38, 1-based): chr2:21,032,421, T>G on the plus strand (A>C on the coding strand, the complement: APOB is on the minus strand). VCF-style: chr2-21032421-T-G. GRCh37 (hg19) VCF-style: chr2-21255293-T-G.
Other names: short protein forms I429L.
Identifiers: ClinVar variation 3758445 (VCV003758445.2).

ClinVar aggregate classification (germline): Uncertain significance (1 of 4 stars; one submission).

Conditions:
Familial hypobetalipoproteinemia 1. Also called: APOB-Related Familial Hypobetalipoproteinemia; Hypobetalipoproteinemia, normotriglyceridemic; Acanthocytosis with hypobetalipoproteinemia. Identifiers: MedGen C4551990, MONDO:0014252, OMIM 615558.
Hypercholesterolemia, autosomal dominant, type B (FHCL2). Also called: Familial Hypercholesterolemia Type B; APOLIPOPROTEIN B-100, FAMILIAL DEFECTIVE; APOLIPOPROTEIN B-100, FAMILIAL LIGAND-DEFECTIVE; HYPERCHOLESTEROLEMIA, FAMILIAL, DUE TO LIGAND-DEFECTIVE APOLIPOPROTEIN B; Hyperlipoproteinemia Type IIb; Familial hypercholesterolemia 2. Identifiers: MedGen C1704417, MONDO:0007751, OMIM 144010.

gnomAD v4.1: 1 of 1,614,094 alleles (0.000062%); no homozygotes.

Submission:

Labcorp Genetics (formerly Invitae), Labcorp
Classification: Uncertain significance for Familial hypobetalipoproteinemia 1; Hypercholesterolemia, autosomal dominant, type B. Last evaluated: 2024-07-22. Review status: criteria provided, single submitter. Criteria: Invitae Variant Classification Sherloc (09022015). Collection method: clinical testing. Allele origin: germline.
Comment: This sequence change replaces isoleucine, which is neutral and non-polar, with leucine, which is neutral and non-polar, at codon 429 of the APOB protein (p.Ile429Leu). This variant is not present in population databases (gnomAD no frequency). This variant has not been reported in the literature in individuals affected with APOB-related conditions. Advanced modeling of protein sequence and biophysical properties (such as structural, functional, and spatial information, amino acid conservation, physicochemical variation, residue mobility, and thermodynamic stability) performed at Invitae indicates that this missense variant is not expected to disrupt APOB protein function with a negative predictive value of 95%. In summary, the available evidence is currently insufficient to determine the role of this variant in disease. Therefore, it has been classified as a Variant of Uncertain Significance.